The following is an entry in ClinVar:

ClinVar aggregate classification (germline): Conflicting classifications of pathogenicity. Review status: criteria provided, conflicting classifications (1 of 4 stars). 3 submissions from 3 submitters: Pathogenic (1); Uncertain significance (2). Last evaluated 2026-01-12.

Conditions:
D-2-hydroxyglutaric aciduria 1 (D2HGA1). Identifiers: Orphanet 79315, MedGen C3152055, MONDO:0024554, OMIM 600721.

Allele frequency attached by ClinVar (database versions not stated): TOPMed 0.00003; gnomAD 0.00006; ESP Exome Variant Server 0.00015; 1000 Genomes Project 30x 0.00016; 1000 Genomes Project 0.00020.
gnomAD v4.1: 99 of 1,612,402 alleles (0.0061%); highest among the groups gnomAD compares: Non-Finnish European, 0.0075%; no homozygotes.

Submissions (3):

Labcorp Genetics (formerly Invitae), Labcorp
Classification: Pathogenic for D-2-hydroxyglutaric aciduria 1. Last evaluated: 2026-01-12. Review status: criteria provided, single submitter. Criteria: Invitae Variant Classification Sherloc (09022015). Collection method: clinical testing. Allele origin: germline.
Comment: This sequence change replaces alanine, which is neutral and non-polar, with valine, which is neutral and non-polar, at codon 474 of the D2HGDH protein (p.Ala474Val). This variant is present in population databases (rs369324431, gnomAD 0.01%). This missense change has been observed in individual(s) with clinical features of D2HGDH-related conditions and/or D-2-hydroxyglutaric aciduria (PMID: 38825343; internal data). In at least one individual the data is consistent with being in trans (on the opposite chromosome) from a pathogenic variant. ClinVar contains an entry for this variant (Variation ID: 653495). Invitae Evidence Modeling of protein sequence and biophysical properties (such as structural, functional, and spatial information, amino acid conservation, physicochemical variation, residue mobility, and thermodynamic stability) indicates that this missense variant is expected to disrupt D2HGDH protein function with a positive predictive value of 95%. Experimental studies have shown that this missense change affects D2HGDH function (PMID: 30908763, 33431826). For these reasons, this variant has been classified as Pathogenic.

Blueprint Genetics
Classification: Uncertain significance. Last evaluated: 2021-07-27. Review status: criteria provided, single submitter. Criteria: ACMG Guidelines, 2015. Collection method: clinical testing. Allele origin: germline.

Department of Pathology and Laboratory Medicine, Sinai Health System
Classification: Uncertain significance for D-2-hydroxyglutaric aciduria 1. Last evaluated: 2020-08-06. Review status: criteria provided, single submitter. Criteria: ACMG Guidelines, 2015. Collection method: research. Allele origin: germline.

Literature cited by the submitters: PubMed 38825343 (cited by Labcorp Genetics (formerly Invitae), Labcorp); PubMed 30908763 (cited by Labcorp Genetics (formerly Invitae), Labcorp); PubMed 33431826 (cited by Labcorp Genetics (formerly Invitae), Labcorp).

NM_152783.5(D2HGDH):c.1421C>T (p.Ala474Val)

Gene: D2HGDH (D-2-hydroxyglutarate dehydrogenase; plus strand). Cytogenetic location: 2q37.3.
Variant type: single nucleotide variant.
Coding change: c.1421C>T on transcript NM_152783.5 (MANE Select); coding-DNA position 1421, C replaced by T.
Protein change: p.Ala474Val; replaces alanine 474 with valine.
Molecular consequence: missense variant. On other transcripts: non-coding transcript variant (1).
Genome position (GRCh38, 1-based): chr2:241,767,824, C>T. VCF-style: chr2-241767824-C-T. GRCh37 (hg19) VCF-style: chr2-242707239-C-T.
Other names: c.1019C>T, p.Ala340Val (NM_001287249.2); c.860C>T, p.Ala287Val (NM_001352824.2); short protein forms A340V, A474V, A287V.
Identifiers: ClinVar variation 653495 (VCV000653495.11), dbSNP rs369324431, ClinGen allele CA2222230.
Genomic context (GRCh38, chr2:241,767,824, plus strand): 5'-TGGCTGCCCTGGAGCCCCACGTGTACGAGTGGACGGCCGGGCAGCAGGGCAGCGTCAGCG[C>T]GGAGCACGGAGTGGGCTTCAGGAAGAGGGACGTCCTGGGCTACAGCAAGCCACCGGGGGC-3'
Protein context (NP_689996.4, residues 464-484): WTAGQQGSVS[Ala474Val]EHGVGFRKRD